The following is an entry in ClinVar:

NM_001256155.3(ARMCX4):c.2682T>C (p.Val894=)

Gene: ARMCX4 (armadillo repeat containing X-linked 4; plus strand). Cytogenetic location: Xq22.1.
Variant type: single nucleotide variant.
Coding change: c.2682T>C on transcript NM_001256155.3 (MANE Select); coding-DNA position 2682, T replaced by C.
Protein change: p.Val894=; no amino-acid change (valine 894 retained).
Molecular consequence: synonymous variant.
Genome position (GRCh38, 1-based): chrX:101,491,271, T>C. VCF-style: chrX-101491271-T-C. GRCh37 (hg19) VCF-style: chrX-100746258-T-C.
Identifiers: ClinVar variation 3234258 (VCV003234258.20), dbSNP rs1603211585, ClinGen allele CA517739621.

ClinVar aggregate classification (germline): Likely benign (1 of 4 stars; one submission).

Submission:

CeGaT Center for Human Genetics Tuebingen
Classification: Likely benign. Last evaluated: 2024-03-01. Review status: criteria provided, single submitter. Criteria: CeGaT Center For Human Genetics Tuebingen Variant Classification Criteria Version 2. Collection method: clinical testing. Allele origin: germline. Affected: yes. Observed: 1 variant allele.
Comment: ARMCX4: PM2:Supporting, BP4, BP7